The following is an entry in ClinVar:

NM_003931.3(WASF1):c.662T>C (p.Leu221Ser)

Gene: WASF1 (WASP family member 1; minus strand). Cytogenetic location: 6q21.
Variant type: single nucleotide variant.
Coding change: c.662T>C on transcript NM_003931.3 (MANE Select); coding-DNA position 662, T replaced by C.
Protein change: p.Leu221Ser; replaces leucine 221 with serine.
Molecular consequence: missense variant.
Genome position (GRCh38, 1-based): chr6:110,105,458, A>G on the plus strand (T>C on the coding strand, the complement: WASF1 is on the minus strand). VCF-style: chr6-110105458-A-G. GRCh37 (hg19) VCF-style: chr6-110426661-A-G.
Other names: c.662T>C, p.Leu221Ser (NM_001024934.2, NM_001024935.2, NM_001024936.2); short protein forms L221S.
Identifiers: ClinVar variation 2634520 (VCV002634520.2), dbSNP rs1469892375, ClinGen allele CA365350797.

ClinVar aggregate classification (germline): Uncertain significance (1 of 4 stars; one submission).

Conditions:
WASF1-related disorder. Also called: WASF1-related condition.

Allele frequency attached by ClinVar (database versions not stated): gnomAD exomes below 0.00001.
gnomAD v4.1: 3 of 1,613,818 alleles (0.00019%); highest among the groups gnomAD compares: Non-Finnish European, 0.00017%; no homozygotes.

Submission:

PreventionGenetics, part of Exact Sciences
Classification: Uncertain significance for WASF1-related condition. Last evaluated: 2025-10-07. Review status: criteria provided, single submitter. Criteria: ACMG Guidelines, 2015. Collection method: clinical testing. Allele origin: germline.
Comment: The WASF1 c.662T>C variant is predicted to result in the amino acid substitution p.Leu221Ser. To our knowledge, this variant has not been reported in the literature. This variant is reported in 0.00088% of alleles in individuals of European (non-Finnish) descent in gnomAD. At this time, the clinical significance of this variant is uncertain due to the absence of conclusive functional and genetic evidence.